The following is an entry in ClinVar:

NM_004360.5(CDH1):c.2035A>G (p.Thr679Ala)

Gene: CDH1 (cadherin 1; plus strand). Cytogenetic location: 16q22.1.
Variant type: single nucleotide variant.
Coding change: c.2035A>G on transcript NM_004360.5 (MANE Select); coding-DNA position 2035, A replaced by G.
Protein change: p.Thr679Ala; replaces threonine 679 with alanine.
Molecular consequence: missense variant.
Genome position (GRCh38, 1-based): chr16:68,823,497, A>G. VCF-style: chr16-68823497-A-G. GRCh37 (hg19) VCF-style: chr16-68857400-A-G.
Other names: c.1852A>G, p.Thr618Ala (NM_001317184.2); c.487A>G, p.Thr163Ala (NM_001317185.2); c.70A>G, p.Thr24Ala (NM_001317186.2); short protein forms T24A, T679A, T163A, T618A.
Identifiers: ClinVar variation 2820231 (VCV002820231.3), dbSNP rs2543945644, ClinGen allele CA396467716.

ClinVar aggregate classification (germline): Uncertain significance (1 of 4 stars; one submission).

Conditions:
Hereditary diffuse gastric adenocarcinoma (HDGC). Also called: DIFFUSE GASTRIC AND LOBULAR BREAST CANCER SYNDROME. Identifiers: Orphanet 26106, MedGen C1708349, MONDO:0007648, OMIM 137215.

Submission:

Labcorp Genetics (formerly Invitae), Labcorp
Classification: Uncertain significance for Hereditary diffuse gastric adenocarcinoma. Last evaluated: 2022-12-12. Review status: criteria provided, single submitter. Criteria: Invitae Variant Classification Sherloc (09022015). Collection method: clinical testing. Allele origin: germline.
Comment: In summary, the available evidence is currently insufficient to determine the role of this variant in disease. Therefore, it has been classified as a Variant of Uncertain Significance. Algorithms developed to predict the effect of missense changes on protein structure and function are either unavailable or do not agree on the potential impact of this missense change (SIFT: "Deleterious"; PolyPhen-2: "Benign"; Align-GVGD: "Class C0"). This variant has not been reported in the literature in individuals affected with CDH1-related conditions. This variant is not present in population databases (gnomAD no frequency). This sequence change replaces threonine, which is neutral and polar, with alanine, which is neutral and non-polar, at codon 679 of the CDH1 protein (p.Thr679Ala).